The following is an entry in ClinVar:

ClinVar aggregate classification (germline): Uncertain significance (1 of 4 stars; one submission).

Allele frequency attached by ClinVar (database versions not stated): gnomAD exomes 0.00001; TOPMed 0.00001; ExAC 0.00002; gnomAD 0.00003 and 0.00004; 1000 Genomes Project 0.00020; 1000 Genomes Project 30x 0.00031.
gnomAD v4.1: 19 of 1,606,138 alleles (0.0012%); highest among the groups gnomAD compares: African/African-American, 0.0053%; no homozygotes.

Submission:

Labcorp Genetics (formerly Invitae), Labcorp
Classification: Uncertain significance. Last evaluated: 2020-07-15. Review status: criteria provided, single submitter. Criteria: Invitae Variant Classification Sherloc (09022015). Collection method: clinical testing. Allele origin: germline.
Comment: In summary, the available evidence is currently insufficient to determine the role of this variant in disease. Therefore, it has been classified as a Variant of Uncertain Significance. Algorithms developed to predict the effect of missense changes on protein structure and function are either unavailable or do not agree on the potential impact of this missense change (SIFT: "Deleterious"; PolyPhen-2: "Probably Damaging"; Align-GVGD: "Class C0"). This variant has not been reported in the literature in individuals with CYP24A1-related conditions. This variant is present in population databases (rs539392099, ExAC 0.01%). This sequence change replaces arginine with histidine at codon 465 of the CYP24A1 protein (p.Arg465His). The arginine residue is highly conserved and there is a small physicochemical difference between arginine and histidine.

NM_000782.5(CYP24A1):c.1394G>A (p.Arg465His)

Gene: CYP24A1 (cytochrome P450 family 24 subfamily A member 1; minus strand). Cytogenetic location: 20q13.2.
Variant type: single nucleotide variant.
Coding change: c.1394G>A on transcript NM_000782.5 (MANE Select); coding-DNA position 1394, G replaced by A.
Protein change: p.Arg465His; replaces arginine 465 with histidine.
Molecular consequence: missense variant. On other transcripts: intron variant (1).
Genome position (GRCh38, 1-based): chr20:54,157,428, C>T on the plus strand (G>A on the coding strand, the complement: CYP24A1 is on the minus strand). VCF-style: chr20-54157428-C-T. GRCh37 (hg19) VCF-style: chr20-52773967-C-T.
Other names: c.1237-139G>A (NM_001128915.2); short protein forms R465H.
Identifiers: ClinVar variation 1063076 (VCV001063076.9), dbSNP rs539392099, ClinGen allele CA9915798.